The following is an entry in ClinVar:

ClinVar aggregate classification (germline): Pathogenic/Likely pathogenic. Review status: criteria provided, multiple submitters, no conflicts (2 of 4 stars). 13 submissions from 13 submitters: Pathogenic (9); Likely pathogenic (1). 3 of the submissions do not count toward it. Last evaluated 2026-07-29.

Conditions:
Charcot-Marie-Tooth disease type 2. Also called: Charcot-Marie-Tooth type 2. Identifiers: Orphanet 64746, MedGen C0270914, MONDO:0018993.
LMNA-related disorder. Also called: LMNA-related condition; LMNA-related disease; LMNA-related disorders. Identifiers: MedGen CN380145.
Cardiovascular phenotype. Identifiers: MedGen CN230736.
Congenital muscular dystrophy due to LMNA mutation. Also called: Lamin A-related Congenital Muscular Dystrophy; Congenital muscular dystrophy, LMNA-related. Identifiers: Orphanet 157973, MedGen C2750785, MONDO:0013178, OMIM 613205.

Submissions (13):

Ambry Genetics
Classification: Pathogenic for Cardiovascular phenotype. Last evaluated: 2026-07-29. Review status: criteria provided, single submitter. Criteria: Ambry Variant Classification Scheme 2023. Collection method: clinical testing. Allele origin: germline.
Comment: The c.745C>T (p.R249W) alteration is located in exon 4 (coding exon 4) of the LMNA gene. This alteration results from a C to T substitution at nucleotide position 745, causing the arginine (R) at amino acid position 249 to be replaced by a tryptophan (W). This variant was not reported in population-based cohorts in the Genome Aggregation Database (gnomAD). This variant was reported in individual(s) with features consistent with LMNA-related laminopathy; in at least one individual, it was determined to be de novo (Quijano-Roy, 2008; Chemla, 2010; Scharner, 2011; Pasqualin, 2014; Fan, 2021). This amino acid position is highly conserved in available vertebrate species. This alteration is predicted to be deleterious by in silico analysis. Based on the available evidence, this alteration is classified as pathogenic.

Labcorp Genetics (formerly Invitae), Labcorp
Classification: Pathogenic for Charcot-Marie-Tooth disease type 2. Last evaluated: 2025-09-25. Review status: criteria provided, single submitter. Criteria: Invitae Variant Classification Sherloc (09022015). Collection method: clinical testing. Allele origin: germline.
Comment: This sequence change replaces arginine, which is basic and polar, with tryptophan, which is neutral and slightly polar, at codon 249 of the LMNA protein (p.Arg249Trp). This variant is not present in population databases (gnomAD no frequency). This missense change has been observed in individual(s) with infantile-onset LMNA-associated myopathy, congenital muscular dystrophy, and Emery-Dreifuss muscular dystrophy (PMID: 18551513, 20848652, 20886652, 21632249, 24508248, 24656463, 26098624, 29893365). In at least one individual the variant was observed to be de novo. ClinVar contains an entry for this variant (Variation ID: 14524). Invitae Evidence Modeling of protein sequence and biophysical properties (such as structural, functional, and spatial information, amino acid conservation, physicochemical variation, residue mobility, and thermodynamic stability) indicates that this missense variant is expected to disrupt LMNA protein function with a positive predictive value of 95%. Experimental studies have shown that this missense change affects LMNA function (PMID: 20848652, 24806962, 26098624). For these reasons, this variant has been classified as Pathogenic.

Greenwood Genetic Center Diagnostic Laboratories, Greenwood Genetic Center
Classification: Pathogenic for LMNA-related disorder. Last evaluated: 2024-08-21. Review status: criteria provided, single submitter. Criteria: ACMG Guidelines, 2015. Collection method: clinical testing. Allele origin: germline. Affected: yes.
Comment: PS3, PS4, PM2, PM6_Strong, PP2, PP3

Athena Diagnostics
Classification: Pathogenic. Last evaluated: 2023-12-01. Review status: criteria provided, single submitter. Criteria: Athena Diagnostics Criteria. Collection method: clinical testing. Allele origin: unknown.
Comment: This variant appears to occur de novo in multiple individuals with AD Emery-Dreifuss muscular dystrophy or AD congenital muscular dystrophy. At least one other missense variant at this codon is considered to be pathogenic or likely pathogenic. This variant has not been reported in large, multi-ethnic general populations. (Genome Aggregation Database (gnomAD), Cambridge, MA (URL)) Assessment of experimental evidence suggests this variant results in abnormal protein function. (PMID: 20848652, 29895224, 32231000, 32455813, 33142761, 33396724)

Blueprint Genetics
Classification: Pathogenic for LMNA-related disorders. Last evaluated: 2021-08-03. Review status: criteria provided, single submitter. Criteria: ACMG Guidelines, 2015. Collection method: clinical testing. Allele origin: germline. Affected: yes. Observed: 1 variant allele.

Baylor Genetics
Classification: Pathogenic for Congenital muscular dystrophy due to LMNA mutation. Last evaluated: 2020-02-03. Review status: criteria provided, single submitter. Criteria: ACMG Guidelines, 2015. Collection method: clinical testing. Allele origin: de novo. Affected: yes.
Comment: This variant was determined to be pathogenic according to ACMG Guidelines, 2015 [PMID:25741868].

Illumina Laboratory Services, Illumina
Classification: Pathogenic for Congenital muscular dystrophy due to LMNA mutation. Last evaluated: 2019-08-12. Review status: criteria provided, single submitter. Criteria: ICSLVariantClassificationCriteria RUGD 01 April 2020. Collection method: clinical testing. Allele origin: unknown.
Comment: The LMNA c.745C>T (p.Arg249Trp) variant is a missense variant that has been reported in at least two studies, in which it is found in a de novo heterozygous state in at least four individuals with congenital muscular dystrophy (Quijano-Roy et al. 2008; Tan et al. 2015). The p.Arg249Trp variant was absent from 300 control subjects and is not found in the Genome Aggregation Database. In vitro functional studies demonstrated that the p.Arg249Trp variant affected nuclear morphology and resulted in defective mechano-responses in human myoblasts (Scharner et al. 2011; Bertrand et al. 2014; Tan et al. 2015). Based on absence from population frequency databases, identification in a de novo state, presence in affected individuals, and functional evidence, the p.Arg249Trp variant is classified as pathogenic for LMNA-related congenital muscular dystrophy.

GeneDx
Classification: Pathogenic. Last evaluated: 2018-12-04. Review status: criteria provided, single submitter. Criteria: GeneDx Variant Classification (06012015). Collection method: clinical testing. Allele origin: germline. Affected: yes.
Comment: The R249W pathogenic variant has been previously reported as a de novo variant in multiple heterozygous patients with lamin-related congenital muscular dystrophy (L-CMD) (Quijano-Roy et al., 2008; Chemla et al., 2010). Subsequently, R249W was also been reported in individuals with a severe presentation of Emery-Dreifuss muscular dystrophy (Scharner et al., 2011; Albuquerque et al., 2014). Functional studies showed that expression of R249W in cell culture resulted in membrane defects that prevented proper cytoskeletal adaptation to mechanical stress (Bertrand et al., 2014). Additional studies indicated that R249W resulted in abnormal subcellular localization and aggregation of LMNA protein (Tan et al., 2015). The R249W variant was not observed in approximately 6,500 individuals of European and African American ancestry in the NHLBI Exome Sequencing Project, indicating it is not a common benign variant in these populations. This variant is a non-conservative amino acid substitution, which is likely to impact secondary protein structure as these residues differ in polarity, charge, size and/or other properties. Additionally, this substitution occurs at a position that is conserved in mammals, and missense variants in the same (R249Q) and in nearby (L248P) residues have been reported in the Human Gene Mutation Database in association with LMNA-related disorders (Stenson et al., 2014), supporting the functional importance of this region of the protein. Therefore, we interpret R249W as a pathogenic variant.

Laboratory of Medical Genetics, National & Kapodistrian University of Athens
Classification: Likely pathogenic for Congenital muscular dystrophy due to LMNA mutation. Last evaluated: 2018-10-03. Review status: criteria provided, single submitter. Criteria: ACMG Guidelines, 2015. Collection method: clinical testing. Allele origin: de novo. Affected: yes.
Comment: PS2, PM2, PP3, PP5

Genetic Services Laboratory, University of Chicago
Classification: Pathogenic. Last evaluated: 2017-09-27. Review status: criteria provided, single submitter. Criteria: ACMG Guidelines, 2015. Collection method: clinical testing. Allele origin: germline. Affected: yes.

Department of Rehabilitation Medicine, Incheon St. Mary’s Hospital, College of Medicine, The Catholic University of Korea
Classification: Pathogenic for Congenital muscular dystrophy due to LMNA mutation. Last evaluated: 2019-02-11. Review status: no assertion criteria provided. Collection method: research. Allele origin: de novo. Inheritance: Autosomal dominant inheritance. Affected: yes. Observed: 1 heterozygote. Not counted in ClinVar's aggregate classification.

OMIM
Classification: Pathogenic for MUSCULAR DYSTROPHY, CONGENITAL, LMNA-RELATED. Last evaluated: 2011-02-01. Review status: no assertion criteria provided. Collection method: literature only. Allele origin: germline. Not counted in ClinVar's aggregate classification.

Epithelial Biology;  Institute of Medical Biology, Singapore
No classification provided. Review status: no classification provided. Collection method: not provided. Allele origin: not provided. Not counted in ClinVar's aggregate classification.

Literature cited by the submitters: PubMed 18551513 (cited by 5 submitters); PubMed 20848652 (cited by 5 submitters); PubMed 20886652 (cited by 3 submitters); PubMed 24508248 (cited by 3 submitters); PubMed 32571898 (cited by Ambry Genetics and Athena Diagnostics); PubMed 21632249 (cited by Labcorp Genetics (formerly Invitae), Labcorp and Athena Diagnostics); PubMed 24656463 (cited by Labcorp Genetics (formerly Invitae), Labcorp and Athena Diagnostics); PubMed 26098624 (cited by 3 submitters); PubMed 29893365 (cited by Labcorp Genetics (formerly Invitae), Labcorp and Athena Diagnostics); PubMed 24806962 (cited by Labcorp Genetics (formerly Invitae), Labcorp and Illumina Laboratory Services, Illumina); PubMed 25635128 (cited by Athena Diagnostics); PubMed 26867126 (cited by Athena Diagnostics); PubMed 28688748 (cited by Athena Diagnostics); PubMed 29669293 (cited by Athena Diagnostics); PubMed 29895224 (cited by Athena Diagnostics); PubMed 30405424 (cited by Athena Diagnostics); PubMed 31475473 (cited by Athena Diagnostics); PubMed 31498906 (cited by Athena Diagnostics); PubMed 32231000 (cited by Athena Diagnostics); PubMed 32244403 (cited by Athena Diagnostics); PubMed 32455813 (cited by Athena Diagnostics); PubMed 33142761 (cited by Athena Diagnostics); PubMed 33396724 (cited by Athena Diagnostics); PubMed 33940562 (cited by Athena Diagnostics); PubMed 34240052 (cited by Athena Diagnostics); PubMed 34872044 (cited by Athena Diagnostics); PubMed 37035729 (cited by Athena Diagnostics).

NM_170707.4(LMNA):c.745C>T (p.Arg249Trp)

Gene: LMNA (lamin A/C; plus strand). Cytogenetic location: 1q22.
Variant type: single nucleotide variant.
Coding change: c.745C>T on transcript NM_170707.4 (MANE Select); coding-DNA position 745, C replaced by T.
Protein change: p.Arg249Trp; replaces arginine 249 with tryptophan.
Molecular consequence: missense variant.
Genome position (GRCh38, 1-based): chr1:156,134,910, C>T. VCF-style: chr1-156134910-C-T. GRCh37 (hg19) VCF-style: chr1-156104701-C-T.
Other names: c.409C>T, p.Arg137Trp (NM_001257374.3); c.502C>T, p.Arg168Trp (NM_001282624.2); c.745C>T, p.Arg249Trp (NM_001282625.2, NM_001282626.2, NM_005572.4 and 1 more transcripts); short protein forms R249W, R137W, R168W.
Identifiers: ClinVar variation 14524 (VCV000014524.27), dbSNP rs121912496, ClinGen allele CA018559.